The following is an entry in ClinVar:

NM_004958.4(MTOR):c.5467G>A (p.Ala1823Thr)

Gene: MTOR (mechanistic target of rapamycin kinase; minus strand). Cytogenetic location: 1p36.22.
Variant type: single nucleotide variant.
Coding change: c.5467G>A on transcript NM_004958.4 (MANE Select); coding-DNA position 5467, G replaced by A.
Protein change: p.Ala1823Thr; replaces alanine 1823 with threonine.
Molecular consequence: missense variant.
Genome position (GRCh38, 1-based): chr1:11,130,675, C>T on the plus strand (G>A on the coding strand, the complement: MTOR is on the minus strand). VCF-style: chr1-11130675-C-T. GRCh37 (hg19) VCF-style: chr1-11190732-C-T.
Other names: c.5467G>A, p.Ala1823Thr (NM_001386500.1); c.4219G>A, p.Ala1407Thr (NM_001386501.1); short protein forms A1407T, A1823T.
Identifiers: ClinVar variation 1718363 (VCV001718363.5), dbSNP rs1643102243, ClinGen allele CA338398558.

ClinVar aggregate classification (germline): Uncertain significance (1 of 4 stars; one submission).

Allele frequency attached by ClinVar (database versions not stated): gnomAD exomes below 0.00001.
gnomAD v4.1: 3 of 1,611,526 alleles (0.00019%); highest among the groups gnomAD compares: Non-Finnish European, 0.00025%; no homozygotes.

Submission:

Labcorp Genetics (formerly Invitae), Labcorp
Classification: Uncertain significance. Last evaluated: 2022-08-30. Review status: criteria provided, single submitter. Criteria: Invitae Variant Classification Sherloc (09022015). Collection method: clinical testing. Allele origin: germline.
Comment: In summary, the available evidence is currently insufficient to determine the role of this variant in disease. Therefore, it has been classified as a Variant of Uncertain Significance. Advanced modeling of protein sequence and biophysical properties (such as structural, functional, and spatial information, amino acid conservation, physicochemical variation, residue mobility, and thermodynamic stability) performed at Invitae indicates that this missense variant is not expected to disrupt MTOR protein function. This variant has not been reported in the literature in individuals affected with MTOR-related conditions. This variant is not present in population databases (gnomAD no frequency). This sequence change replaces alanine, which is neutral and non-polar, with threonine, which is neutral and polar, at codon 1823 of the MTOR protein (p.Ala1823Thr).